The following is an entry in ClinVar:

NM_014363.6(SACS):c.257del (p.Gly86fs)

Gene: SACS (sacsin molecular chaperone; minus strand). Cytogenetic location: 13q12.12.
Variant type: Deletion.
Coding change: c.257del on transcript NM_014363.6 (MANE Select); coding-DNA position 257, one base deleted (G; older notation c.257delG).
Protein change: p.Gly86fs; shifts the reading frame from glycine 86.
Molecular consequence: frameshift variant. On other transcripts: intron variant (1).
Genome position (GRCh38, 1-based): chr13:23,371,080, C deleted on the plus strand (G on the coding strand, the reverse complement: SACS is on the minus strand); the first of 5 consecutive C bases (chr13:23,371,080-23,371,084); deleting any one gives the same sequence. VCF-style (leftmost placement, unchanged base first): chr13-23371079-TC-T. GRCh37 (hg19) VCF-style: chr13-23945218-TC-T.
Other names: c.-182-2593del (NM_001278055.2); c.257delG (NM_014363.5); short protein forms G86fs.
Identifiers: ClinVar variation 2678564 (VCV002678564.2), dbSNP rs2542473698, ClinGen allele CA2575369682.

ClinVar aggregate classification (germline): Likely pathogenic. Review status: criteria provided, multiple submitters, no conflicts (2 of 4 stars). 2 submissions from 2 submitters: Likely pathogenic (2). Last evaluated 2025-07-08.

Conditions:
SACS-related disorder. Also called: SACS-related condition.
Charlevoix-Saguenay spastic ataxia (SACS). Also called: SPASTIC ATAXIA 6, AUTOSOMAL RECESSIVE; AUTOSOMAL RECESSIVE SPASTIC ATAXIA OF CHARLEVOIX-SAGUENAY; Spastic ataxia of Charlevoix-Saguenay. Identifiers: Orphanet 98, MedGen C1849140, MONDO:0010041, OMIM 270550.

Submissions (2):

PreventionGenetics, part of Exact Sciences
Classification: Likely pathogenic for SACS-related condition. Last evaluated: 2025-07-08. Review status: criteria provided, single submitter. Criteria: ACMG Guidelines, 2015. Collection method: clinical testing. Allele origin: germline.
Comment: The SACS c.257delG variant is predicted to result in a frameshift and premature protein termination (p.Gly86Glufs*19). To our knowledge this variant has not been reported in the literature or in a large population database (gnomAD), indicating it is rare. Frameshift variants in SACS are expected to be pathogenic. This variant is interpreted as likely pathogenic.

Baylor Genetics
Classification: Likely pathogenic for Charlevoix-Saguenay spastic ataxia. Last evaluated: 2023-02-16. Review status: criteria provided, single submitter. Criteria: ACMG Guidelines, 2015. Collection method: clinical testing. Allele origin: unknown.